The following is an entry in ClinVar:

ClinVar aggregate classification (germline): Uncertain significance (1 of 4 stars; one submission).

Conditions:
Primary ciliary dyskinesia. Also called: Ciliary dyskinesia. Identifiers: Orphanet 244, MedGen C0008780, MONDO:0016575, HP:0012265.

Submission:

Labcorp Genetics (formerly Invitae), Labcorp
Classification: Uncertain significance for Primary ciliary dyskinesia. Last evaluated: 2025-07-30. Review status: criteria provided, single submitter. Criteria: Invitae Variant Classification Sherloc (09022015). Collection method: clinical testing. Allele origin: germline.
Comment: This sequence change replaces arginine, which is basic and polar, with cysteine, which is neutral and slightly polar, at codon 261 of the DNAAF3 protein (p.Arg261Cys). This variant is not present in population databases (gnomAD no frequency). This variant has not been reported in the literature in individuals affected with DNAAF3-related conditions. Invitae Evidence Modeling of protein sequence and biophysical properties (such as structural, functional, and spatial information, amino acid conservation, physicochemical variation, residue mobility, and thermodynamic stability) indicates that this missense variant is expected to disrupt DNAAF3 protein function with a positive predictive value of 80%. In summary, the available evidence is currently insufficient to determine the role of this variant in disease. Therefore, it has been classified as a Variant of Uncertain Significance.

NM_001256715.2(DNAAF3):c.577C>T (p.Arg193Cys)

Genes: DNAAF3 (dynein axonemal assembly factor 3; minus strand), DNAAF3-AS1 (DNAAF3 antisense RNA 1; plus strand). Cytogenetic location: 19q13.42.
Variant type: single nucleotide variant.
Coding change: c.577C>T on transcript NM_001256715.2 (MANE Select); coding-DNA position 577, C replaced by T.
Protein change: p.Arg193Cys; replaces arginine 193 with cysteine.
Molecular consequence: missense variant.
Genome position (GRCh38, 1-based): chr19:55,161,729, G>A on the plus strand (C>T on the coding strand, the complement: DNAAF3 is on the minus strand). VCF-style: chr19-55161729-G-A. GRCh37 (hg19) VCF-style: chr19-55673097-G-A.
Other names: c.781C>T, p.Arg261Cys (NM_001256714.1); c.415C>T, p.Arg139Cys (NM_001256716.2); c.718C>T, p.Arg240Cys (NM_178837.4); short protein forms R193C, R240C, R261C, R139C.
Identifiers: ClinVar variation 4760473 (VCV004760473.1).